The following is an entry in ClinVar:

ClinVar aggregate classification (germline): Likely benign. Review status: criteria provided, multiple submitters, no conflicts (2 of 4 stars). 3 submissions from 3 submitters: Likely benign (3). Last evaluated 2026-09-01.

Conditions:
Mowat-Wilson syndrome (MOWS). Also called: Classic Mowat-Wilson Syndrome. Identifiers: Orphanet 2152, MedGen C1856113, MONDO:0009341, OMIM 235730.

Allele frequency attached by ClinVar (database versions not stated): gnomAD 0.00001; gnomAD exomes 0.00001 and 0.00003; TOPMed 0.00002.
gnomAD v4.1: 11 of 1,614,052 alleles (0.00068%); highest among the groups gnomAD compares: Admixed American, 0.017%; no homozygotes.

Submissions (3):

CeGaT Center for Human Genetics Tuebingen
Classification: Likely benign. Last evaluated: 2026-09-01. Review status: criteria provided, single submitter. Criteria: CeGaT Center For Human Genetics Tuebingen Variant Classification Criteria Version 2. Collection method: clinical testing. Allele origin: germline. Affected: yes. Observed: 1 variant allele.
Comment: ZEB2: BP4

Labcorp Genetics (formerly Invitae), Labcorp
Classification: Likely benign for Mowat-Wilson syndrome. Last evaluated: 2026-01-28. Review status: criteria provided, single submitter. Criteria: Invitae Variant Classification Sherloc (09022015). Collection method: clinical testing. Allele origin: germline.

GeneDx
Classification: Likely benign. Last evaluated: 2017-06-01. Review status: criteria provided, single submitter. Criteria: GeneDx Variant Classification (06012015). Collection method: clinical testing. Allele origin: germline. Affected: yes.
Comment: This variant is considered likely benign or benign based on one or more of the following criteria: it is a conservative change, it occurs at a poorly conserved position in the protein, it is predicted to be benign by multiple in silico algorithms, and/or has population frequency not consistent with disease.

NM_014795.4(ZEB2):c.828A>G (p.Gly276=)

Gene: ZEB2 (zinc finger E-box binding homeobox 2; minus strand). Cytogenetic location: 2q22.3.
Variant type: single nucleotide variant.
Coding change: c.828A>G on transcript NM_014795.4 (MANE Select); coding-DNA position 828, A replaced by G.
Protein change: p.Gly276=; no amino-acid change (glycine 276 retained).
Molecular consequence: synonymous variant.
Genome position (GRCh38, 1-based): chr2:144,401,287, T>C on the plus strand (A>G on the coding strand, the complement: ZEB2 is on the minus strand). VCF-style: chr2-144401287-T-C. GRCh37 (hg19) VCF-style: chr2-145158854-T-C.
Other names: c.756A>G, p.Gly252= (NM_001171653.2).
Identifiers: ClinVar variation 509911 (VCV000509911.10), dbSNP rs1161704021, ClinGen allele CA429218180.